The following is an entry in ClinVar:

ClinVar aggregate classification (germline): Pathogenic (1 of 4 stars; one submission).

Conditions:
Tuberous sclerosis 1 (TSC1). Identifiers: Orphanet 805, MedGen C1854465, MONDO:0008612, OMIM 191100.

Submission:

Labcorp Genetics (formerly Invitae), Labcorp
Classification: Pathogenic for Tuberous sclerosis 1. Last evaluated: 2022-12-24. Review status: criteria provided, single submitter. Criteria: Invitae Variant Classification Sherloc (09022015). Collection method: clinical testing. Allele origin: germline.
Comment: This variant is not present in population databases (gnomAD no frequency). This sequence change creates a premature translational stop signal (p.Thr138Ilefs*20) in the TSC1 gene. It is expected to result in an absent or disrupted protein product. Loss-of-function variants in TSC1 are known to be pathogenic (PMID: 10227394, 17304050). For these reasons, this variant has been classified as Pathogenic. This variant has not been reported in the literature in individuals affected with TSC1-related conditions.

Literature cited by the submitters: PubMed 10227394; PubMed 17304050.

NM_000368.5(TSC1):c.400_412dup (p.Thr138fs)

Gene: TSC1 (TSC complex subunit 1; minus strand). Cytogenetic location: 9q34.13.
Variant type: Duplication.
Coding change: c.400_412dup on transcript NM_000368.5 (MANE Select); coding-DNA positions 400 to 412, 13 bases duplicated (TTGGTGTTGATAA).
Protein change: p.Thr138fs; shifts the reading frame from threonine 138.
Molecular consequence: frameshift variant. On other transcripts: 5 prime UTR variant (5), non-coding transcript variant (5).
Genome position (GRCh38, 1-based): chr9:132,923,444-132,923,456, TTATCAACACCAA duplicated on the plus strand (TTGGTGTTGATAA on the coding strand, the reverse complement: TSC1 is on the minus strand). VCF-style (leftmost placement, unchanged base first): chr9-132923443-G-GTTATCAACACCAA. GRCh37 (hg19) VCF-style: chr9-135798830-G-GTTATCAACACCAA.
Other names: c.37_49dup, p.Thr17fs (NM_001362177.2, NM_001406614.1, NM_001406615.1 and 10 more transcripts); c.400_412dup, p.Thr138fs (NM_001406592.1, NM_001406597.1, NM_001406598.1 and 16 more transcripts); c.247_259dup, p.Thr87fs (NM_001162427.2, NM_001406610.1, NM_001406611.1 and 2 more transcripts); c.-478_-466dup (NM_001406626.1, NM_001406627.1, NM_001406628.1); c.-620_-608dup (NM_001406629.1); c.-694_-682dup (NM_001406630.1); short protein forms T17fs, T87fs, T138fs.
Identifiers: ClinVar variation 2823836 (VCV002823836.3), dbSNP rs2539041175, ClinGen allele CA2739265169.